The following is an entry in ClinVar:

ClinVar aggregate classification (germline): Uncertain significance (1 of 4 stars; one submission).

Conditions:
Cardiovascular phenotype. Identifiers: MedGen CN230736.

gnomAD v4.1: 2 of 1,550,420 alleles (0.00013%); highest among the groups gnomAD compares: South Asian, 0.0012%; no homozygotes.

Submission:

Ambry Genetics
Classification: Uncertain significance for Cardiovascular phenotype. Last evaluated: 2023-07-24. Review status: criteria provided, single submitter. Criteria: Ambry Variant Classification Scheme 2023. Collection method: clinical testing. Allele origin: germline.
Comment: The p.D1735Y variant (also known as c.5203G>T), located in coding exon 2 of the ZNF469 gene, results from a G to T substitution at nucleotide position 5203. The aspartic acid at codon 1735 is replaced by tyrosine, an amino acid with highly dissimilar properties. This amino acid position is conserved. In addition, this alteration is predicted to be tolerated by in silico analysis. Since supporting evidence is limited at this time, the clinical significance of this alteration remains unclear.

NM_001367624.2(ZNF469):c.5287G>T (p.Asp1763Tyr)

Gene: ZNF469 (zinc finger protein 469; plus strand). Cytogenetic location: 16q24.2.
Variant type: single nucleotide variant.
Coding change: c.5287G>T on transcript NM_001367624.2 (MANE Select); coding-DNA position 5287, G replaced by T.
Protein change: p.Asp1763Tyr; replaces aspartic acid 1763 with tyrosine.
Molecular consequence: missense variant.
Genome position (GRCh38, 1-based): chr16:88,432,757, G>T. VCF-style: chr16-88432757-G-T. GRCh37 (hg19) VCF-style: chr16-88499165-G-T.
Other names: NM_001127464.1:c.5203G>T; short protein forms D1763Y.
Identifiers: ClinVar variation 2626124 (VCV002626124.2), dbSNP rs1157415944, ClinGen allele CA397096597.
Genomic context (GRCh38, chr16:88,432,757, plus strand): 5'-CCCGACCAGGAACTTTCATTTCCTAAGAATAAGGAGGCCGCCAGCTCACAAGAAAGTGAA[G>T]ACTCCCTGCGGCTGCTTCCCTGTGAACAGAGAGGAGGGTTCCTCCCAGAGCCCGGCACAG-3'
Protein context (NP_001354553.1, residues 1753-1773): KEAASSQESE[Asp1763Tyr]SLRLLPCEQR